The following is an entry in ClinVar:

NM_001166108.2(PALLD):c.2405A>G (p.His802Arg)

Genes: CBR4 (carbonyl reductase 4; minus strand), PALLD (palladin, cytoskeletal associated protein; plus strand). Cytogenetic location: 4q32.3.
Variant type: single nucleotide variant.
Coding change: c.2405A>G on transcript NM_001166108.2 (MANE Select); coding-DNA position 2405, A replaced by G.
Protein change: p.His802Arg; replaces histidine 802 with arginine.
Molecular consequence: missense variant.
Genome position (GRCh38, 1-based): chr4:168,898,647, A>G. VCF-style: chr4-168898647-A-G. GRCh37 (hg19) VCF-style: chr4-169819798-A-G.
Other names: c.1208A>G, p.His403Arg (NM_001166109.2); c.893A>G, p.His298Arg (NM_001166110.2); c.233A>G, p.His78Arg (NM_001367567.1, NM_001367569.1); c.284A>G, p.His95Arg (NM_001367568.1, NM_001367570.1); c.2354A>G, p.His785Arg (NM_016081.4); short protein forms H403R, H802R, H78R, H298R, H785R, H95R.
Identifiers: ClinVar variation 2625550 (VCV002625550.2), dbSNP rs750417197, ClinGen allele CA358799064.

ClinVar aggregate classification (germline): Uncertain significance (1 of 4 stars; one submission).

Submission:

Ambry Genetics
Classification: Uncertain significance. Last evaluated: 2023-07-05. Review status: criteria provided, single submitter. Criteria: Ambry Variant Classification Scheme 2023. Collection method: clinical testing. Allele origin: germline.
Comment: The p.H785R variant (also known as c.2354A>G), located in coding exon 12 of the PALLD gene, results from an A to G substitution at nucleotide position 2354. The histidine at codon 785 is replaced by arginine, an amino acid with highly similar properties. This amino acid position is conserved. In addition, the in silico prediction for this alteration is inconclusive. Since supporting evidence is limited at this time, the clinical significance of this alteration remains unclear.